The following is an entry in ClinVar:

NM_019098.5(CNGB3):c.454G>A (p.Glu152Lys)

Gene: CNGB3 (cyclic nucleotide gated channel subunit beta 3; minus strand). Cytogenetic location: 8q21.3.
Variant type: single nucleotide variant.
Coding change: c.454G>A on transcript NM_019098.5 (MANE Select); coding-DNA position 454, G replaced by A.
Protein change: p.Glu152Lys; replaces glutamic acid 152 with lysine.
Molecular consequence: missense variant.
Genome position (GRCh38, 1-based): chr8:86,670,983, C>T on the plus strand (G>A on the coding strand, the complement: CNGB3 is on the minus strand). VCF-style: chr8-86670983-C-T. GRCh37 (hg19) VCF-style: chr8-87683211-C-T.
Other names: short protein forms E152K.
Identifiers: ClinVar variation 1473087 (VCV001473087.8), dbSNP rs2131618915, ClinGen allele CA371450109.

ClinVar aggregate classification (germline): Uncertain significance (1 of 4 stars; one submission).

Submission:

Labcorp Genetics (formerly Invitae), Labcorp
Classification: Uncertain significance. Last evaluated: 2021-07-27. Review status: criteria provided, single submitter. Criteria: Invitae Variant Classification Sherloc (09022015). Collection method: clinical testing. Allele origin: germline.
Comment: In summary, the available evidence is currently insufficient to determine the role of this variant in disease. Therefore, it has been classified as a Variant of Uncertain Significance. Advanced modeling of protein sequence and biophysical properties (such as structural, functional, and spatial information, amino acid conservation, physicochemical variation, residue mobility, and thermodynamic stability) performed at Invitae indicates that this missense variant is not expected to disrupt CNGB3 protein function. This variant has not been reported in the literature in individuals affected with CNGB3-related conditions. This variant is not present in population databases (ExAC no frequency). This sequence change replaces glutamic acid with lysine at codon 152 of the CNGB3 protein (p.Glu152Lys). The glutamic acid residue is moderately conserved and there is a small physicochemical difference between glutamic acid and lysine.